The following is an entry in ClinVar:

NM_001110556.2(FLNA):c.6595T>C (p.Cys2199Arg)

Gene: FLNA (filamin A; minus strand). Cytogenetic location: Xq28.
Variant type: single nucleotide variant.
Coding change: c.6595T>C on transcript NM_001110556.2 (MANE Select); coding-DNA position 6595, T replaced by C.
Protein change: p.Cys2199Arg; replaces cysteine 2199 with arginine.
Molecular consequence: missense variant.
Genome position (GRCh38, 1-based): chrX:154,352,355, A>G on the plus strand (T>C on the coding strand, the complement: FLNA is on the minus strand). VCF-style: chrX-154352355-A-G. GRCh37 (hg19) VCF-style: chrX-153580723-A-G.
Other names: c.6571T>C, p.Cys2191Arg (NM_001456.4); short protein forms C2191R, C2199R.
Identifiers: ClinVar variation 1351619 (VCV001351619.6), dbSNP rs2148104046, ClinGen allele CA415190778.

ClinVar aggregate classification (germline): Uncertain significance (1 of 4 stars; one submission).

Conditions:
Heterotopia, periventricular, X-linked dominant (PVNH1). Also called: PERIVENTRICULAR NODULAR HETEROTOPIA 1; X-linked periventricular heterotopia; PERIVENTRICULAR NODULAR HETEROTOPIA 4; HETEROTOPIA, PERIVENTRICULAR, 1. Identifiers: Orphanet 2149, Orphanet 82004, MedGen C1848213, MONDO:0010233, OMIM 300049.
Oto-palato-digital syndrome, type II (OPD2). Also called: OPD II SYNDROME; Otopalatodigital Syndrome, Type II; Otopalatodigital Syndrome Type 2 (FLNA-OPD2); FACIOPALATOOSSEOUS SYNDROME. Identifiers: Orphanet 669, Orphanet 90652, MedGen C1844696, MONDO:0010571, OMIM 304120.
Melnick-Needles syndrome (MNS). Also called: MELNICK-NEEDLES OSTEODYSPLASTY; OSTEODYSPLASTY OF MELNICK AND NEEDLES; Melnick-Needles Syndrome (FLNA-MNS). Identifiers: Orphanet 2484, MedGen C0025237, MONDO:0010650, OMIM 309350.
Frontometaphyseal dysplasia (FMD1). Identifiers: Orphanet 1826, MedGen C0265293, MONDO:0015942.

Submission:

Labcorp Genetics (formerly Invitae), Labcorp
Classification: Uncertain significance for Oto-palato-digital syndrome, type II; Heterotopia, periventricular, X-linked dominant; Frontometaphyseal dysplasia; Melnick-Needles syndrome. Last evaluated: 2024-02-24. Review status: criteria provided, single submitter. Criteria: Invitae Variant Classification Sherloc (09022015). Collection method: clinical testing. Allele origin: germline.
Comment: This sequence change replaces cysteine, which is neutral and slightly polar, with arginine, which is basic and polar, at codon 2191 of the FLNA protein (p.Cys2191Arg). This variant is not present in population databases (gnomAD no frequency). This variant has not been reported in the literature in individuals affected with FLNA-related conditions. ClinVar contains an entry for this variant (Variation ID: 1351619). Advanced modeling of protein sequence and biophysical properties (such as structural, functional, and spatial information, amino acid conservation, physicochemical variation, residue mobility, and thermodynamic stability) performed at Invitae indicates that this missense variant is not expected to disrupt FLNA protein function with a negative predictive value of 95%. In summary, the available evidence is currently insufficient to determine the role of this variant in disease. Therefore, it has been classified as a Variant of Uncertain Significance.